The following is an entry in ClinVar:

NM_005866.4(SIGMAR1):c.292G>T (p.Ala98Ser)

Gene: SIGMAR1 (sigma receptor chaperone 1; minus strand). Cytogenetic location: 9p13.3.
Variant type: single nucleotide variant.
Coding change: c.292G>T on transcript NM_005866.4 (MANE Select); coding-DNA position 292, G replaced by T.
Protein change: p.Ala98Ser; replaces alanine 98 with serine.
Molecular consequence: missense variant. On other transcripts: synonymous variant (1).
Genome position (GRCh38, 1-based): chr9:34,637,280, C>A on the plus strand (G>T on the coding strand, the complement: SIGMAR1 is on the minus strand). VCF-style: chr9-34637280-C-A. GRCh37 (hg19) VCF-style: chr9-34637277-C-A.
Other names: c.292G>T, p.Ala98Ser (NM_001282205.2, NM_001282208.2, NM_001282209.2 and 1 more transcripts); c.39G>T, p.Thr13= (NM_001282206.2); c.232G>T, p.Ala78Ser (NM_001282207.2); short protein forms A98S, A78S.
Identifiers: ClinVar variation 2058669 (VCV002058669.4), dbSNP rs1820907914, ClinGen allele CA373274693.

ClinVar aggregate classification (germline): Uncertain significance (1 of 4 stars; one submission).

Conditions:
Autosomal recessive distal spinal muscular atrophy 2. Also called: NEUROPATHY, DISTAL HEREDITARY MOTOR, AUTOSOMAL RECESSIVE 2; NEURONOPATHY, DISTAL HEREDITARY MOTOR, JERASH TYPE; NEUROPATHY, DISTAL HEREDITARY MOTOR, JERASH TYPE; SPINAL MUSCULAR ATROPHY, JERASH TYPE; Hereditary motor neuropathy, Jerash type; Motor neuropathy, distal, Jerash type. Identifiers: Orphanet 139552, MedGen C1854023, MONDO:0011585, OMIM 605726.
Amyotrophic lateral sclerosis type 16. Also called: AMYOTROPHIC LATERAL SCLEROSIS 16, JUVENILE. Identifiers: Orphanet 300605, MedGen C3280587, MONDO:0013715, OMIM 614373.

Allele frequency attached by ClinVar (database versions not stated): TOPMed below 0.00001; gnomAD 0.00001.

Submission:

Labcorp Genetics (formerly Invitae), Labcorp
Classification: Uncertain significance for Autosomal recessive distal spinal muscular atrophy 2; Amyotrophic lateral sclerosis type 16. Last evaluated: 2022-07-07. Review status: criteria provided, single submitter. Criteria: Invitae Variant Classification Sherloc (09022015). Collection method: clinical testing. Allele origin: germline.
Comment: This sequence change replaces alanine, which is neutral and non-polar, with serine, which is neutral and polar, at codon 98 of the SIGMAR1 protein (p.Ala98Ser). This variant is not present in population databases (gnomAD no frequency). This variant has not been reported in the literature in individuals affected with SIGMAR1-related conditions. Algorithms developed to predict the effect of missense changes on protein structure and function are either unavailable or do not agree on the potential impact of this missense change (SIFT: "Tolerated"; PolyPhen-2: "Probably Damaging"; Align-GVGD: "Class C25"). In summary, the available evidence is currently insufficient to determine the role of this variant in disease. Therefore, it has been classified as a Variant of Uncertain Significance.